The following is an entry in ClinVar:

ClinVar aggregate classification (germline): Uncertain significance. Review status: criteria provided, multiple submitters, no conflicts (2 of 4 stars). 4 submissions from 4 submitters: Uncertain significance (4). Last evaluated 2026-06-04.

Conditions:
WNK1-related disorder. Also called: WNK1-related condition.
Inborn genetic diseases. Identifiers: MedGen C0950123, MeSH D030342.
Neuropathy, hereditary sensory and autonomic, type 2A (HSAN2A). Also called: ACROOSTEOLYSIS, GIACCAI TYPE; ACROOSTEOLYSIS, NEUROGENIC; HSAN IIA; WNK1-Related HSAN2 (HSAN2A); MORVAN DISEASE; NEUROPATHY, CONGENITAL SENSORY. Identifiers: Orphanet 970, MedGen C2752089, MONDO:0024309, OMIM 201300.
Pseudohypoaldosteronism type 2C (PHA2C). Also called: Pseudohypoaldosteronism Type IIC. Identifiers: Orphanet 757, Orphanet 88940, MedGen C1840391, MONDO:0013778, OMIM 614492.

Allele frequency attached by ClinVar (database versions not stated): gnomAD 0.00003; TOPMed 0.00004.
gnomAD v4.1: 48 of 1,614,068 alleles (0.003%); highest among the groups gnomAD compares: Non-Finnish European, 0.004%; no homozygotes.

Submissions (4):

PreventionGenetics, part of Exact Sciences
Classification: Uncertain significance for WNK1-related condition. Last evaluated: 2026-06-04. Review status: criteria provided, single submitter. Criteria: ACMG Guidelines, 2015. Collection method: clinical testing. Allele origin: germline.
Comment: The WNK1 c.5731G>A variant is predicted to result in the amino acid substitution p.Gly1911Ser. This variant also results in a missense variant in the transcripts relevant for neurological disorders (NM_001184985:c.6511G>A (p.Gly2171Ser); NM_213655:c.6487G>A (p.Gly2163Ser)). To our knowledge, this variant has not been reported in the literature. This variant is reported in 0.0015% of alleles in individuals of European (Non-Finnish) descent in gnomAD. At this time, the clinical significance of this variant is uncertain due to the absence of conclusive functional and genetic evidence.

Labcorp Genetics (formerly Invitae), Labcorp
Classification: Uncertain significance for Neuropathy, hereditary sensory and autonomic, type 2A; Pseudohypoaldosteronism type 2C. Last evaluated: 2025-05-13. Review status: criteria provided, single submitter. Criteria: Invitae Variant Classification Sherloc (09022015). Collection method: clinical testing. Allele origin: germline.
Comment: This sequence change replaces glycine, which is neutral and non-polar, with serine, which is neutral and polar, at codon 2163 of the WNK1 protein (p.Gly2163Ser). This variant is present in population databases (rs766411372, gnomAD 0.002%). This variant has not been reported in the literature in individuals affected with WNK1-related conditions. ClinVar contains an entry for this variant (Variation ID: 1753793). Invitae Evidence Modeling of protein sequence and biophysical properties (such as structural, functional, and spatial information, amino acid conservation, physicochemical variation, residue mobility, and thermodynamic stability) indicates that this missense variant is not expected to disrupt WNK1 protein function with a negative predictive value of 95%. In summary, the available evidence is currently insufficient to determine the role of this variant in disease. Therefore, it has been classified as a Variant of Uncertain Significance.

Revvity Omics, Revvity
Classification: Uncertain significance. Last evaluated: 2023-06-29. Review status: criteria provided, single submitter. Criteria: ACMG Guidelines, 2015. Collection method: clinical testing. Allele origin: germline.

Ambry Genetics
Classification: Uncertain significance for Inborn genetic diseases. Last evaluated: 2022-06-11. Review status: criteria provided, single submitter. Criteria: Ambry Variant Classification Scheme 2023. Collection method: clinical testing. Allele origin: germline.
Comment: The p.G2163S variant (also known as c.6487G>A), located in coding exon 24 of the WNK1 gene, results from a G to A substitution at nucleotide position 6487. The glycine at codon 2163 is replaced by serine, an amino acid with similar properties. This amino acid position is well conserved in available vertebrate species; however, serine is the reference amino acid in other vertebrate species. In addition, this alteration is predicted to be tolerated by in silico analysis. Since supporting evidence is limited at this time, the clinical significance of this alteration remains unclear.

NM_018979.4(WNK1):c.5731G>A (p.Gly1911Ser)

Gene: WNK1 (WNK lysine deficient protein kinase 1; plus strand). Cytogenetic location: 12p13.33.
Variant type: single nucleotide variant.
Coding change: c.5731G>A on transcript NM_018979.4 (MANE Select); coding-DNA position 5731, G replaced by A.
Protein change: p.Gly1911Ser; replaces glycine 1911 with serine.
Molecular consequence: missense variant.
Genome position (GRCh38, 1-based): chr12:896,218, G>A. VCF-style: chr12-896218-G-A. GRCh37 (hg19) VCF-style: chr12-1005384-G-A.
Other names: c.5731G>A (NM_018979.3); c.6511G>A, p.Gly2171Ser (NM_001184985.2); c.4987G>A, p.Gly1663Ser (NM_014823.3); c.6487G>A, p.Gly2163Ser (NM_213655.5); short protein forms G1663S, G2163S, G1911S, G2171S.
Identifiers: ClinVar variation 1753793 (VCV001753793.7), dbSNP rs766411372, ClinGen allele CA6383274.